The following is an entry in ClinVar:

NM_004006.3(DMD):c.6139C>T (p.Gln2047Ter)

Gene: DMD (dystrophin; minus strand). Cytogenetic location: Xp21.1.
Variant type: single nucleotide variant.
Coding change: c.6139C>T on transcript NM_004006.3 (MANE Select); coding-DNA position 6139, C replaced by T.
Protein change: p.Gln2047Ter; replaces glutamine 2047 with a stop codon.
Molecular consequence: nonsense.
Genome position (GRCh38, 1-based): chrX:32,287,680, G>A on the plus strand (C>T on the coding strand, the complement: DMD is on the minus strand). VCF-style: chrX-32287680-G-A. GRCh37 (hg19) VCF-style: chrX-32305797-G-A.
Other names: c.6115C>T, p.Gln2039Ter (NM_000109.4); c.6127C>T, p.Gln2043Ter (NM_004009.3); c.5770C>T, p.Gln1924Ter (NM_004010.3); c.2116C>T, p.Gln706Ter (NM_004011.4); c.2107C>T, p.Gln703Ter (NM_004012.4); short protein forms Q2047*, Q1924*, Q703*, Q706*, Q2039*, Q2043*.
Identifiers: ClinVar variation 369655 (VCV000369655.2), dbSNP rs1057516028, ClinGen allele CA10654749.

ClinVar aggregate classification (germline): Pathogenic. Review status: criteria provided, single submitter (1 of 4 stars). 2 submissions from 2 submitters: Pathogenic (1). 1 of the submissions does not count toward it. Last evaluated 2024-05-08.

Conditions:
Progressive muscular dystrophy. Identifiers: Orphanet 206644, MedGen C4551827, MONDO:0016106.
Elevated circulating creatine kinase activity. Also called: Elevated serum creatine phosphokinase; Elevated creatine kinase; Elevated circulating creatine kinase concentration. Identifiers: MedGen C0241005, HP:0003236.

Submissions (2):

Myriad Genetics, Inc.
Classification: Pathogenic for Progressive muscular dystrophy. Last evaluated: 2024-05-08. Review status: criteria provided, single submitter. Criteria: Myriad Autosomal Dominant, Autosomal Recessive and X-Linked Classification Criteria (2023). Collection method: clinical testing. Allele origin: unknown.
Comment: NM_004006.2(DMD):c.6139C>T(Q2047*) is expected to be pathogenic in the context of dystrophinopathy (including Duchenne/Becker muscular dystrophy). This variant is predicted to lead to an abnormal or absent protein product due to the creation of a premature termination codon in DMD, a gene where loss-of-function variants are known to be pathogenic. Please note: this variant was assessed in the context of healthy population screening.

Institute of Human Genetics, University of Wuerzburg
Classification: Pathogenic for Elevated circulating creatine kinase activity. Review status: no assertion criteria provided. Collection method: clinical testing. Allele origin: unknown. Not counted in ClinVar's aggregate classification.